The following is an entry in ClinVar:

NM_001127222.2(CACNA1A):c.1669G>C (p.Val557Leu)

Gene: CACNA1A (calcium voltage-gated channel subunit alpha1 A; minus strand). Cytogenetic location: 19p13.13.
Variant type: single nucleotide variant.
Coding change: c.1669G>C on transcript NM_001127222.2 (MANE Select); coding-DNA position 1669, G replaced by C.
Protein change: p.Val557Leu; replaces valine 557 with leucine.
Molecular consequence: missense variant.
Genome position (GRCh38, 1-based): chr19:13,308,528, C>G on the plus strand (G>C on the coding strand, the complement: CACNA1A is on the minus strand). VCF-style: chr19-13308528-C-G. GRCh37 (hg19) VCF-style: chr19-13419342-C-G.
Other names: c.1672G>C, p.Val558Leu (NM_000068.4, NM_001127221.2, NM_001174080.2 and 1 more transcripts); short protein forms V557L, V558L.
Identifiers: ClinVar variation 2094721 (VCV002094721.4), dbSNP rs1568519134, ClinGen allele CA404345259.

ClinVar aggregate classification (germline): Uncertain significance (1 of 4 stars; one submission).

Conditions:
Episodic ataxia type 2 (EA2). Also called: ATAXIA, EPISODIC, WITH NYSTAGMUS; ATAXIA, FAMILIAL PAROXYSMAL; CEREBELLAR ATAXIA, PAROXYSMAL, ACETAZOLAMIDE-RESPONSIVE; CEREBELLOPATHY, HEREDITARY PAROXYSMAL; EPISODIC ATAXIA, NYSTAGMUS-ASSOCIATED; ACETAZOLAMIDE-RESPONSIVE HEREDITARY PAROXYSMAL CEREBELLAR ATAXIA. Identifiers: Orphanet 97, MedGen C1720416, MONDO:0007163, OMIM 108500.
Developmental and epileptic encephalopathy, 42 (DEE42A). Also called: Epileptic encephalopathy, early infantile, 42; DEVELOPMENTAL AND EPILEPTIC ENCEPHALOPATHY 42A; EPILEPTIC ENCEPHALOPATHY, EARLY INFANTILE, 42A. Identifiers: MedGen C4310716, MONDO:0014917, OMIM 617106.

Submission:

Labcorp Genetics (formerly Invitae), Labcorp
Classification: Uncertain significance for Developmental and epileptic encephalopathy, 42; Episodic ataxia type 2. Last evaluated: 2022-02-08. Review status: criteria provided, single submitter. Criteria: Invitae Variant Classification Sherloc (09022015). Collection method: clinical testing. Allele origin: germline.
Comment: Algorithms developed to predict the effect of missense changes on protein structure and function (SIFT, PolyPhen-2, Align-GVGD) all suggest that this variant is likely to be disruptive. This variant has not been reported in the literature in individuals affected with CACNA1A-related conditions. This variant is not present in population databases (gnomAD no frequency). This sequence change replaces valine, which is neutral and non-polar, with leucine, which is neutral and non-polar, at codon 558 of the CACNA1A protein (p.Val558Leu). Algorithms developed to predict the effect of sequence changes on RNA splicing suggest that this variant may disrupt the consensus splice site. In summary, the available evidence is currently insufficient to determine the role of this variant in disease. Therefore, it has been classified as a Variant of Uncertain Significance.